The following is an entry in ClinVar:

ClinVar aggregate classification (germline): Uncertain significance (1 of 4 stars; one submission).

Submission:

Quest Diagnostics Nichols Institute San Juan Capistrano
Classification: Uncertain significance. Last evaluated: 2024-04-29. Review status: criteria provided, single submitter. Criteria: Quest Diagnostics criteria. Collection method: clinical testing. Allele origin: unknown.
Comment: The RECQL c.114A>G (p.Lys38=) synonymous variant has not been reported in individuals with RECQL-related conditions in the published literature. It also has not been reported in large, multi-ethnic general populations (Genome Aggregation Database). Analysis of this variant using software algorithms for the prediction of the effect of nucleotide changes on splicing yielded predictions that this variant does not affect RECQL mRNA splicing. Based on the available information, we are unable to determine the clinical significance of this variant.

NM_002907.4(RECQL):c.114A>G (p.Lys38=)

Gene: RECQL (RecQ like helicase; minus strand). Cytogenetic location: 12p12.1.
Variant type: single nucleotide variant.
Coding change: c.114A>G on transcript NM_002907.4 (MANE Select); coding-DNA position 114, A replaced by G.
Protein change: p.Lys38=; no amino-acid change (lysine 38 retained).
Molecular consequence: synonymous variant.
Genome position (GRCh38, 1-based): chr12:21,491,619, T>C on the plus strand (A>G on the coding strand, the complement: RECQL is on the minus strand). VCF-style: chr12-21491619-T-C. GRCh37 (hg19) VCF-style: chr12-21644553-T-C.
Other names: c.114A>G, p.Lys38= (NM_032941.3).
Identifiers: ClinVar variation 3572220 (VCV003572220.1).